The following is an entry in ClinVar:

NM_001029896.2(WDR45):c.525_528dup (p.Thr177fs)

Gene: WDR45 (WD repeat domain 45; minus strand). Cytogenetic location: Xp11.23.
Variant type: Duplication.
Coding change: c.525_528dup on transcript NM_001029896.2 (MANE Select); coding-DNA positions 525 to 528, 4 bases duplicated (GAGC; older notation c.525_528dupGAGC).
Protein change: p.Thr177fs; shifts the reading frame from threonine 177.
Molecular consequence: frameshift variant.
Genome position (GRCh38, 1-based): chrX:49,075,742-49,075,745, GCTC duplicated on the plus strand (GAGC on the coding strand, the reverse complement: WDR45 is on the minus strand); duplicating any 4 consecutive bases within chrX:49,075,742-49,075,747 gives the same sequence; the c. name uses the placement nearest the transcript's 3' end. VCF-style (leftmost placement, unchanged base first): chrX-49075741-T-TGCTC. GRCh37 (hg19) VCF-style: chrX-48933400-T-TGCTC.
Other names: c.528_531dup, p.Thr178fs (NM_007075.4); short protein forms T177fs, T178fs.
Identifiers: ClinVar variation 4281404 (VCV004281404.7).

ClinVar aggregate classification (germline): Pathogenic (1 of 4 stars; one submission).

Submission:

CeGaT Center for Human Genetics Tuebingen
Classification: Pathogenic. Last evaluated: 2025-09-01. Review status: criteria provided, single submitter. Criteria: CeGaT Center For Human Genetics Tuebingen Variant Classification Criteria Version 2. Collection method: clinical testing. Allele origin: germline. Affected: yes. Observed: 1 variant allele.
Comment: WDR45: PVS1, PM2